The following is an entry in ClinVar:

ClinVar aggregate classification (germline): Uncertain significance (1 of 4 stars; one submission).

Conditions:
Alstrom syndrome (ALMS). Identifiers: Orphanet 64, MedGen C0268425, MONDO:0008763, OMIM 203800.

Allele frequency attached by ClinVar (database versions not stated): ExAC 0.00001; gnomAD 0.00001; gnomAD exomes 0.00001; TOPMed 0.00001.
gnomAD v4.1: 6 of 1,612,356 alleles (0.00037%); highest among the groups gnomAD compares: Non-Finnish European, 0.00051%; no homozygotes.

Submission:

Labcorp Genetics (formerly Invitae), Labcorp
Classification: Uncertain significance for Alstrom syndrome. Last evaluated: 2024-11-24. Review status: criteria provided, single submitter. Criteria: Invitae Variant Classification Sherloc (09022015). Collection method: clinical testing. Allele origin: germline.
Comment: This sequence change replaces histidine, which is basic and polar, with proline, which is neutral and non-polar, at codon 3777 of the ALMS1 protein (p.His3777Pro). This variant is present in population databases (rs774773506, gnomAD 0.0009%). This variant has not been reported in the literature in individuals affected with ALMS1-related conditions. ClinVar contains an entry for this variant (Variation ID: 2159823). Experimental studies and prediction algorithms are not available or were not evaluated, and the functional significance of this variant is currently unknown. In summary, the available evidence is currently insufficient to determine the role of this variant in disease. Therefore, it has been classified as a Variant of Uncertain Significance.

NM_001378454.1(ALMS1):c.11327A>C (p.His3776Pro)

Gene: ALMS1 (ALMS1 centrosome and basal body associated protein; plus strand). Cytogenetic location: 2p13.1.
Variant type: single nucleotide variant.
Coding change: c.11327A>C on transcript NM_001378454.1 (MANE Select); coding-DNA position 11327, A replaced by C.
Protein change: p.His3776Pro; replaces histidine 3776 with proline.
Molecular consequence: missense variant.
Genome position (GRCh38, 1-based): chr2:73,573,204, A>C. VCF-style: chr2-73573204-A-C. GRCh37 (hg19) VCF-style: chr2-73800331-A-C.
Other names: c.11330A>C, p.His3777Pro (NM_015120.4); short protein forms H3777P, H3776P.
Identifiers: ClinVar variation 2159823 (VCV002159823.3), dbSNP rs774773506, ClinGen allele CA1715168.